The following is an entry in ClinVar:

ClinVar aggregate classification (germline): Uncertain significance. Review status: criteria provided, multiple submitters, no conflicts (2 of 4 stars). 4 submissions from 4 submitters: Uncertain significance (3). 1 of the submissions does not count toward it. Last evaluated 2025-08-18.

Conditions:
Glycogen storage disease, type II (IOPD). Also called: Glucosidase acid-1,4-alpha deficiency; Pompe Disease; GLYCOGENOSIS, GENERALIZED, CARDIAC FORM; GSD II; Glycogen storage disease type 2; Acid maltase deficiency disease. Identifiers: Orphanet 365, MedGen C0017921, MONDO:0009290, OMIM 232300.
Cardiovascular phenotype. Identifiers: MedGen CN230736.

gnomAD v4.1: 17 of 1,612,834 alleles (0.0011%); highest among the groups gnomAD compares: South Asian, 0.0033%; no homozygotes.

Submissions (4):

Labcorp Genetics (formerly Invitae), Labcorp
Classification: Uncertain significance for Glycogen storage disease, type II. Last evaluated: 2025-08-18. Review status: criteria provided, single submitter. Criteria: Invitae Variant Classification Sherloc (09022015). Collection method: clinical testing. Allele origin: germline.
Comment: This sequence change replaces leucine, which is neutral and non-polar, with methionine, which is neutral and non-polar, at codon 398 of the GAA protein (p.Leu398Met). This variant is present in population databases (rs369707231, gnomAD 0.003%). This variant has not been reported in the literature in individuals affected with GAA-related conditions. ClinVar contains an entry for this variant (Variation ID: 862210). An algorithm developed to predict the effect of missense changes on protein structure and function (PolyPhen-2) suggests that this variant is likely to be disruptive. In summary, the available evidence is currently insufficient to determine the role of this variant in disease. Therefore, it has been classified as a Variant of Uncertain Significance.

Ambry Genetics
Classification: Uncertain significance for Cardiovascular phenotype. Last evaluated: 2025-06-30. Review status: criteria provided, single submitter. Criteria: Ambry Variant Classification Scheme 2023. Collection method: clinical testing. Allele origin: germline.
Comment: The p.L398M variant (also known as c.1192C>A), located in coding exon 6 of the GAA gene, results from a C to A substitution at nucleotide position 1192. The leucine at codon 398 is replaced by methionine, an amino acid with highly similar properties. This amino acid position is conserved. In addition, the in silico prediction for this alteration is inconclusive. Since supporting evidence is limited at this time, the clinical significance of this alteration remains unclear.

Revvity Omics, Revvity
Classification: Uncertain significance. Last evaluated: 2023-07-18. Review status: criteria provided, single submitter. Criteria: ACMG Guidelines, 2015. Collection method: clinical testing. Allele origin: germline.

Natera, Inc.
Classification: Uncertain significance for Glycogen storage disease type II. Last evaluated: 2020-03-17. Review status: no assertion criteria provided. Collection method: clinical testing. Allele origin: germline. Not counted in ClinVar's aggregate classification.

NM_000152.5(GAA):c.1192C>A (p.Leu398Met)

Gene: GAA (alpha glucosidase; plus strand). Cytogenetic location: 17q25.3.
Variant type: single nucleotide variant.
Coding change: c.1192C>A on transcript NM_000152.5 (MANE Select); coding-DNA position 1192, C replaced by A.
Protein change: p.Leu398Met; replaces leucine 398 with methionine.
Molecular consequence: missense variant.
Genome position (GRCh38, 1-based): chr17:80,108,605, C>A. VCF-style: chr17-80108605-C-A. GRCh37 (hg19) VCF-style: chr17-78082404-C-A.
Other names: c.1192C>A, p.Leu398Met (NM_001079803.3, NM_001079804.3); short protein forms L398M.
Identifiers: ClinVar variation 862210 (VCV000862210.13), dbSNP rs369707231, ClinGen allele CA8815198.